The following is an entry in ClinVar:

NM_001232.4(CASQ2):c.128A>G (p.Lys43Arg)

Gene: CASQ2 (calsequestrin 2; minus strand). Cytogenetic location: 1p13.1.
Variant type: single nucleotide variant.
Coding change: c.128A>G on transcript NM_001232.4 (MANE Select); coding-DNA position 128, A replaced by G.
Protein change: p.Lys43Arg; replaces lysine 43 with arginine.
Molecular consequence: missense variant.
Genome position (GRCh38, 1-based): chr1:115,768,414, T>C on the plus strand (A>G on the coding strand, the complement: CASQ2 is on the minus strand). VCF-style: chr1-115768414-T-C. GRCh37 (hg19) VCF-style: chr1-116311035-T-C.
Other names: short protein forms K43R.
Identifiers: ClinVar variation 1374265 (VCV001374265.6), dbSNP rs1163471411, ClinGen allele CA341767199.

ClinVar aggregate classification (germline): Uncertain significance (1 of 4 stars; one submission).

Conditions:
Catecholaminergic polymorphic ventricular tachycardia 1. Also called: VENTRICULAR TACHYCARDIA, STRESS-INDUCED POLYMORPHIC 1; VENTRICULAR TACHYCARDIA, CATECHOLAMINERGIC POLYMORPHIC, 1, WITH OR WITHOUT ATRIAL DYSFUNCTION AND/OR DILATED CARDIOMYOPATHY; RYR2-Related Catecholaminergic Polymorphic Ventricular Tachycardia. Identifiers: Orphanet 3286, MedGen C1631597, MONDO:0011484, OMIM 604772.

Allele frequency attached by ClinVar (database versions not stated): gnomAD exomes below 0.00001; gnomAD 0.00001; TOPMed 0.00001.
gnomAD v4.1: 3 of 1,613,872 alleles (0.00019%); highest among the groups gnomAD compares: African/African-American, 0.0013%; no homozygotes.

Submission:

Labcorp Genetics (formerly Invitae), Labcorp
Classification: Uncertain significance for Catecholaminergic polymorphic ventricular tachycardia 1. Last evaluated: 2022-02-10. Review status: criteria provided, single submitter. Criteria: Invitae Variant Classification Sherloc (09022015). Collection method: clinical testing. Allele origin: germline.
Comment: This sequence change replaces lysine, which is basic and polar, with arginine, which is basic and polar, at codon 43 of the CASQ2 protein (p.Lys43Arg). This variant is not present in population databases (gnomAD no frequency). This variant has not been reported in the literature in individuals affected with CASQ2-related conditions. Algorithms developed to predict the effect of missense changes on protein structure and function (SIFT, PolyPhen-2, Align-GVGD) all suggest that this variant is likely to be tolerated. In summary, the available evidence is currently insufficient to determine the role of this variant in disease. Therefore, it has been classified as a Variant of Uncertain Significance.